The following is an entry in ClinVar:

NM_001122630.2(CDKN1C):c.836A>G (p.Asp279Gly)

Gene: CDKN1C (cyclin dependent kinase inhibitor 1C; minus strand). Cytogenetic location: 11p15.4.
Variant type: single nucleotide variant.
Coding change: c.836A>G on transcript NM_001122630.2 (MANE Select); coding-DNA position 836, A replaced by G.
Protein change: p.Asp279Gly; replaces aspartic acid 279 with glycine.
Molecular consequence: missense variant.
Genome position (GRCh38, 1-based): chr11:2,884,086, T>C on the plus strand (A>G on the coding strand, the complement: CDKN1C is on the minus strand). VCF-style: chr11-2884086-T-C. GRCh37 (hg19) VCF-style: chr11-2905316-T-C.
Other names: c.869A>G, p.Asp290Gly (NM_000076.2, NM_001362474.2); c.836A>G, p.Asp279Gly (NM_001122631.2); c.304A>G, p.Met102Val (NM_001362475.2); short protein forms D290G, D279G, M102V.
Identifiers: ClinVar variation 2840653 (VCV002840653.3), dbSNP rs2494379975, ClinGen allele CA379144960.
Genomic context (GRCh38, chr11:2,884,086, plus strand): 5'-GTCTGCTCCACCGAGCCCACGCCAGGGGCGGCGCTTGGAGAGGGACACGGCGCGGGGACA[T>C]CGCCCGACGACTTCTCAGGCGCTGATCTCTTGCGCTTGGCGAAGAAATCTGCGGGCGACA-3'
Protein context (NP_001116102.1, residues 269-289): KRSAPEKSSG[Asp279Gly]VPAPCPSPSA

ClinVar aggregate classification (germline): Uncertain significance (1 of 4 stars; one submission).

Conditions:
Beckwith-Wiedemann syndrome (BWS). Also called: Exomphalos macroglossia gigantism syndrome; EMG SYNDROME. Identifiers: Orphanet 116, MedGen C0004903, MONDO:0007534, OMIM 130650.

Submission:

Labcorp Genetics (formerly Invitae), Labcorp
Classification: Uncertain significance for Beckwith-Wiedemann syndrome. Last evaluated: 2023-02-24. Review status: criteria provided, single submitter. Criteria: Invitae Variant Classification Sherloc (09022015). Collection method: clinical testing. Allele origin: germline.
Comment: This sequence change replaces aspartic acid, which is acidic and polar, with glycine, which is neutral and non-polar, at codon 290 of the CDKN1C protein (p.Asp290Gly). This variant is not present in population databases (gnomAD no frequency). In summary, the available evidence is currently insufficient to determine the role of this variant in disease. Therefore, it has been classified as a Variant of Uncertain Significance. Advanced modeling of protein sequence and biophysical properties (such as structural, functional, and spatial information, amino acid conservation, physicochemical variation, residue mobility, and thermodynamic stability) performed at Invitae indicates that this missense variant is not expected to disrupt CDKN1C protein function. This variant has not been reported in the literature in individuals affected with CDKN1C-related conditions.